The following is an entry in ClinVar:

ClinVar aggregate classification (germline): Uncertain significance (1 of 4 stars; one submission).

Allele frequency attached by ClinVar (database versions not stated): TOPMed 0.00003; ESP Exome Variant Server 0.00008.

Submission:

Labcorp Genetics (formerly Invitae), Labcorp
Classification: Uncertain significance. Last evaluated: 2022-10-25. Review status: criteria provided, single submitter. Criteria: Invitae Variant Classification Sherloc (09022015). Collection method: clinical testing. Allele origin: germline.
Comment: This sequence change replaces asparagine, which is neutral and polar, with threonine, which is neutral and polar, at codon 22 of the IFT52 protein (p.Asn22Thr). This variant is present in population databases (rs377307012, gnomAD 0.01%). In summary, the available evidence is currently insufficient to determine the role of this variant in disease. Therefore, it has been classified as a Variant of Uncertain Significance. Advanced modeling of protein sequence and biophysical properties (such as structural, functional, and spatial information, amino acid conservation, physicochemical variation, residue mobility, and thermodynamic stability) performed at Invitae indicates that this missense variant is not expected to disrupt IFT52 protein function. This variant has not been reported in the literature in individuals affected with IFT52-related conditions.

NM_016004.5(IFT52):c.65A>C (p.Asn22Thr)

Gene: IFT52 (intraflagellar transport 52; plus strand). Cytogenetic location: 20q13.12.
Variant type: single nucleotide variant.
Coding change: c.65A>C on transcript NM_016004.5 (MANE Select); coding-DNA position 65, A replaced by C.
Protein change: p.Asn22Thr; replaces asparagine 22 with threonine.
Molecular consequence: missense variant. On other transcripts: 5 prime UTR variant (4).
Genome position (GRCh38, 1-based): chr20:43,594,763, A>C. VCF-style: chr20-43594763-A-C. GRCh37 (hg19) VCF-style: chr20-42223403-A-C.
Other names: c.65A>C, p.Asn22Thr (NM_001303458.3, NM_001303459.3); c.-607A>C (NM_001323578.2, NM_001323580.2); c.-700A>C (NM_001323579.2, NM_001323581.2); short protein forms N22T.
Identifiers: ClinVar variation 2176838 (VCV002176838.4), dbSNP rs377307012, ClinGen allele CA9866750.
Genomic context (GRCh38, chr20:43,594,763, plus strand): 5'-AGAAAGAGCTGCGGAGCACCATTCTTTTCAATGCCTACAAAAAGGAGATATTTACCACCA[A>C]CAATGGCTACAAATCCATGCAGAAAAAACTTCGGAGTAATTGGAAGATTCAGAGGTGACT-3'
Protein context (NP_057088.2, residues 12-32): NAYKKEIFTT[Asn22Thr]NGYKSMQKKL